The following is an entry in ClinVar:

NM_001393704.1(MOBP):c.260C>T (p.Pro87Leu)

Gene: MOBP (myelin associated oligodendrocyte basic protein; plus strand). Cytogenetic location: 3p22.1.
Variant type: single nucleotide variant.
Coding change: c.260C>T on transcript NM_001393704.1 (MANE Select); coding-DNA position 260, C replaced by T.
Protein change: p.Pro87Leu; replaces proline 87 with leucine.
Molecular consequence: missense variant. On other transcripts: non-coding transcript variant (2), intron variant (1).
Genome position (GRCh38, 1-based): chr3:39,502,588, C>T. VCF-style: chr3-39502588-C-T. GRCh37 (hg19) VCF-style: chr3-39544079-C-T.
Other names: c.332C>T, p.Pro111Leu (NM_001278322.2); c.260C>T, p.Pro87Leu (NM_001278323.2, NM_006501.1, NM_182934.1); c.206+313C>T (NM_182935.4); short protein forms P111L, P87L.
Identifiers: ClinVar variation 2636755 (VCV002636755.1), dbSNP rs781467178, ClinGen allele CA2328057.
Genomic context (GRCh38, chr3:39,502,588, plus strand): 5'-CTCTCAGAACCAGCCGCCGTGCCAAGTCCCCTCAGAGGCCCAAGCAACAGCCAGCTGCGC[C>T]CCCCGCGGTGGTCAGAGCGCCAGCCAAGCCACGGTCCCCTCCGAGGTCTGAGCGTCAGCC-3'
Protein context (NP_001380633.1, residues 77-97): PQRPKQQPAA[Pro87Leu]PAVVRAPAKP

ClinVar aggregate classification (germline): Uncertain significance (1 of 4 stars; one submission).

Conditions:
MOBP-related disorder. Also called: MOBP-related condition.

Allele frequency attached by ClinVar (database versions not stated): ExAC 0.00003; gnomAD 0.00003; TOPMed 0.00004; gnomAD exomes 0.00006.
gnomAD v4.1: 37 of 1,572,838 alleles (0.0024%); highest among the groups gnomAD compares: Middle Eastern, 0.017%; no homozygotes.

Submission:

PreventionGenetics, part of Exact Sciences
Classification: Uncertain significance for MOBP-related condition. Last evaluated: 2023-09-06. Review status: criteria provided, single submitter. Criteria: ACMG Guidelines, 2015. Collection method: clinical testing. Allele origin: germline.
Comment: The MOBP c.332C>T variant is predicted to result in the amino acid substitution p.Pro111Leu. To our knowledge, this variant has not been reported in the literature. This variant is reported in 0.0012% of alleles in individuals of European (Non-Finnish) descent in gnomAD. At this time, the clinical significance of this variant is uncertain due to the absence of conclusive functional and genetic evidence.